The following is an entry in ClinVar:

NM_000718.4(CACNA1B):c.4400T>C (p.Phe1467Ser)

Gene: CACNA1B (calcium voltage-gated channel subunit alpha1 B; plus strand). Cytogenetic location: 9q34.3.
Variant type: single nucleotide variant.
Coding change: c.4400T>C on transcript NM_000718.4 (MANE Select); coding-DNA position 4400, T replaced by C.
Protein change: p.Phe1467Ser; replaces phenylalanine 1467 with serine.
Molecular consequence: missense variant.
Genome position (GRCh38, 1-based): chr9:138,058,660, T>C. VCF-style: chr9-138058660-T-C. GRCh37 (hg19) VCF-style: chr9-140953112-T-C.
Other names: c.4400T>C, p.Phe1467Ser (NM_001243812.2); short protein forms F1467S.
Identifiers: ClinVar variation 3362107 (VCV003362107.1).

ClinVar aggregate classification (germline): Uncertain significance (1 of 4 stars; one submission).

gnomAD v4.1: 1 of 1,613,578 alleles (0.000062%); highest among the groups gnomAD compares: Non-Finnish European, 0.000085%; no homozygotes.

Submission:

GeneDx
Classification: Uncertain significance. Last evaluated: 2023-05-25. Review status: criteria provided, single submitter. Criteria: GeneDx Variant Classification Process June 2021. Collection method: clinical testing. Allele origin: germline. Affected: yes.
Comment: Not observed at significant frequency in large population cohorts (gnomAD); In silico analysis supports that this missense variant has a deleterious effect on protein structure/function; Has not been previously published as pathogenic or benign to our knowledge; Variants in candidate genes are classified as variants of uncertain significance in accordance with ACMG guidelines (Richards et al., 2015)